The following is an entry in ClinVar:

ClinVar aggregate classification (germline): Uncertain significance (1 of 4 stars; one submission).

Conditions:
Inborn genetic diseases. Identifiers: MedGen C0950123, MeSH D030342.

Submission:

Ambry Genetics
Classification: Uncertain significance for Inborn genetic diseases. Last evaluated: 2025-01-11. Review status: criteria provided, single submitter. Criteria: Ambry Variant Classification Scheme 2023. Collection method: clinical testing. Allele origin: germline.
Comment: The p.W46R variant (also known as c.136T>A), located in coding exon 1 of the SH2B3 gene, results from a T to A substitution at nucleotide position 136. The tryptophan at codon 46 is replaced by arginine, an amino acid with dissimilar properties. This amino acid position is conserved. In addition, this alteration is predicted to be tolerated by in silico analysis. Based on the available evidence, the clinical significance of this variant remains unclear.

NM_005475.3(SH2B3):c.136T>A (p.Trp46Arg)

Gene: SH2B3 (SH2B adaptor protein 3; plus strand). Cytogenetic location: 12q24.12.
Variant type: single nucleotide variant.
Coding change: c.136T>A on transcript NM_005475.3 (MANE Select); coding-DNA position 136, T replaced by A.
Protein change: p.Trp46Arg; replaces tryptophan 46 with arginine.
Molecular consequence: missense variant.
Genome position (GRCh38, 1-based): chr12:111,418,281, T>A. VCF-style: chr12-111418281-T-A. GRCh37 (hg19) VCF-style: chr12-111856085-T-A.
Other names: short protein forms W46R.
Identifiers: ClinVar variation 3795098 (VCV003795098.1).